The following is an entry in ClinVar:

ClinVar aggregate classification (germline): Pathogenic. Review status: criteria provided, multiple submitters, no conflicts (2 of 4 stars). 3 submissions from 3 submitters: Pathogenic (2). 1 of the submissions does not count toward it. Last evaluated 2025-05-28.

Conditions:
Intellectual disability-epilepsy-extrapyramidal syndrome (NEDHELS). Also called: Dyskinesia, seizures, and intellectual developmental disorder. Identifiers: Orphanet 468620, MedGen C4310683, MONDO:0014952, OMIM 617171.

Submissions (3):

GeneDx
Classification: Pathogenic. Last evaluated: 2025-05-28. Review status: criteria provided, single submitter. Criteria: GeneDx Variant Classification Process June 2021. Collection method: clinical testing. Allele origin: germline.
Comment: Frameshift variant predicted to result in protein truncation or nonsense mediated decay in a gene for which loss of function is a known mechanism of disease; Not observed at significant frequency in large population cohorts (gnomAD); This variant is associated with the following publications: (PMID: 30923367)

Labcorp Genetics (formerly Invitae), Labcorp
Classification: Pathogenic. Last evaluated: 2023-11-17. Review status: criteria provided, single submitter. Criteria: Invitae Variant Classification Sherloc (09022015). Collection method: clinical testing. Allele origin: germline.
Comment: This sequence change creates a premature translational stop signal (p.Asp369Alafs*51) in the DEAF1 gene. It is expected to result in an absent or disrupted protein product. Loss-of-function variants in DEAF1 are known to be pathogenic (PMID: 30923367). This variant is not present in population databases (gnomAD no frequency). This premature translational stop signal has been observed in individual(s) with autosomal recessive DEAF1-related conditions (PMID: 30923367). ClinVar contains an entry for this variant (Variation ID: 915953). For these reasons, this variant has been classified as Pathogenic.

OMIM
Classification: Pathogenic for NEURODEVELOPMENTAL DISORDER WITH HYPOTONIA, IMPAIRED EXPRESSIVE LANGUAGE, AND SEIZURES. Last evaluated: 2020-06-01. Review status: no assertion criteria provided. Collection method: literature only. Allele origin: germline. Not counted in ClinVar's aggregate classification.

Literature cited by the submitters: PubMed 30923367 (cited by Labcorp Genetics (formerly Invitae), Labcorp and OMIM).

NM_021008.4(DEAF1):c.1104_1105dup (p.Asp369fs)

Gene: DEAF1 (DEAF1 transcription factor; minus strand). Cytogenetic location: 11p15.5.
Variant type: Duplication.
Coding change: c.1104_1105dup on transcript NM_021008.4 (MANE Select); coding-DNA positions 1104 to 1105, 2 bases duplicated (CG; older notation c.1104_1105dupCG).
Protein change: p.Asp369fs; shifts the reading frame from aspartic acid 369.
Molecular consequence: frameshift variant.
Genome position (GRCh38, 1-based): chr11:679,709-679,710, CG duplicated on the plus strand (CG on the coding strand, the reverse complement: DEAF1 is on the minus strand); duplicating any 2 consecutive bases within chr11:679,709-679,711 gives the same sequence; the c. name uses the placement nearest the transcript's 3' end. VCF-style (leftmost placement, unchanged base first): chr11-679708-T-TCG. GRCh37 (hg19) VCF-style: chr11-679708-T-TCG.
Other names: c.836_837dup, p.Asp280Alafs (NM_001293634.2); c.378_379dup, p.Asp127fs (NM_001367390.1); short protein forms D280fs, D127fs, D369fs.
Identifiers: ClinVar variation 915953 (VCV000915953.6), dbSNP rs1860257102, ClinGen allele CA1139661754.
Genomic context (GRCh38, chr11:679,708, plus strand): 5'-TATGCTGAGGACGCGTCAGGCAGGCACTGGAGCAGCTCACCTGTGGCCCCTGCGAAGACG[T>TCG]CGCCCTGGGCCGGACTCTCTGATATGACAGCAGTGGCCTCTACCGTGGACGCTCGGTCAA-3'